The following is an entry in ClinVar:

NM_001127222.2(CACNA1A):c.935T>C (p.Phe312Ser)

Gene: CACNA1A (calcium voltage-gated channel subunit alpha1 A; minus strand). Cytogenetic location: 19p13.13.
Variant type: single nucleotide variant.
Coding change: c.935T>C on transcript NM_001127222.2 (MANE Select); coding-DNA position 935, T replaced by C.
Protein change: p.Phe312Ser; replaces phenylalanine 312 with serine.
Molecular consequence: missense variant.
Genome position (GRCh38, 1-based): chr19:13,359,649, A>G on the plus strand (T>C on the coding strand, the complement: CACNA1A is on the minus strand). VCF-style: chr19-13359649-A-G. GRCh37 (hg19) VCF-style: chr19-13470463-A-G.
Other names: c.935T>C, p.Phe312Ser (NM_000068.4, NM_001127221.2, NM_001174080.2 and 1 more transcripts); short protein forms F312S.
Identifiers: ClinVar variation 4789732 (VCV004789732.1).

ClinVar aggregate classification (germline): Uncertain significance (1 of 4 stars; one submission).

Conditions:
Episodic ataxia type 2 (EA2). Also called: ACETAZOLAMIDE-RESPONSIVE HEREDITARY PAROXYSMAL CEREBELLAR ATAXIA; ATAXIA, EPISODIC, WITH NYSTAGMUS; ATAXIA, FAMILIAL PAROXYSMAL; CEREBELLAR ATAXIA, PAROXYSMAL, ACETAZOLAMIDE-RESPONSIVE; CEREBELLOPATHY, HEREDITARY PAROXYSMAL; EPISODIC ATAXIA, NYSTAGMUS-ASSOCIATED. Identifiers: Orphanet 97, MedGen C1720416, MONDO:0007163, OMIM 108500.
Developmental and epileptic encephalopathy, 42 (DEE42A). Also called: Epileptic encephalopathy, early infantile, 42; DEVELOPMENTAL AND EPILEPTIC ENCEPHALOPATHY 42A; EPILEPTIC ENCEPHALOPATHY, EARLY INFANTILE, 42A. Identifiers: MedGen C4310716, MONDO:0014917, OMIM 617106.

Submission:

Labcorp Genetics (formerly Invitae), Labcorp
Classification: Uncertain significance for Developmental and epileptic encephalopathy, 42; Episodic ataxia type 2. Last evaluated: 2025-09-15. Review status: criteria provided, single submitter. Criteria: Invitae Variant Classification Sherloc (09022015). Collection method: clinical testing. Allele origin: germline.
Comment: This sequence change replaces phenylalanine, which is neutral and non-polar, with serine, which is neutral and polar, at codon 312 of the CACNA1A protein (p.Phe312Ser). This variant is not present in population databases (gnomAD no frequency). This missense change has been observed in individual(s) with clinical features of familial hemiplegic migraine (internal data). Invitae Evidence Modeling of protein sequence and biophysical properties (such as structural, functional, and spatial information, amino acid conservation, physicochemical variation, residue mobility, and thermodynamic stability) indicates that this missense variant is expected to disrupt CACNA1A protein function with a positive predictive value of 95%. In summary, the available evidence is currently insufficient to determine the role of this variant in disease. Therefore, it has been classified as a Variant of Uncertain Significance.